The following is an entry in ClinVar:

ClinVar aggregate classification (germline): Likely pathogenic (1 of 4 stars; one submission).

Conditions:
Maple syrup urine disease (MSUD). Identifiers: Orphanet 511, MedGen C0024776, MeSH D008375, MONDO:0009563. Disease mechanism: loss of function.

Submission:

Myriad Genetics, Inc.
Classification: Likely pathogenic for Maple syrup urine disease type 1A. Last evaluated: 2022-02-19. Review status: criteria provided, single submitter. Criteria: Myriad Women's Health Autosomal Recessive and X-Linked Classification Criteria (2021). Collection method: clinical testing. Allele origin: unknown.
Comment: NM_183050.2(BCKDHB):c.691_693delGATinsAA(D231Kfs*23) is expected to be pathogenic in the context of maple syrup urine disease type Ib. This variant is predicted to lead to an abnormal or absent protein product due to the creation of a premature termination codon in BCKDHB, a gene where loss-of-function variants are known to be pathogenic. Please note: this variant was assessed in the context of healthy population screening.

NM_183050.4(BCKDHB):c.691_693delinsAA (p.Asp231fs)

Gene: BCKDHB (branched chain keto acid dehydrogenase E1 subunit beta; plus strand). Cytogenetic location: 6q14.1.
Variant type: Indel.
Coding change: c.691_693delinsAA on transcript NM_183050.4 (MANE Select); coding-DNA positions 691 to 693, GAT replaced by AA.
Protein change: p.Asp231fs; shifts the reading frame from aspartic acid 231.
Molecular consequence: frameshift variant. On other transcripts: non-coding transcript variant (1).
Genome position (GRCh38, 1-based): chr6:80,171,339-80,171,341, GAT replaced by AA. VCF-style: chr6-80171339-GAT-AA. GRCh37 (hg19) VCF-style: chr6-80881056-GAT-AA.
Other names: c.691_693delinsAA, p.Asp231fs (NM_000056.5); c.481_483delinsAA, p.Asp161fs (NM_001318975.1); short protein forms D161fs, D231fs.
Identifiers: ClinVar variation 1724515 (VCV001724515.2), dbSNP rs2481920373, ClinGen allele CA2580075917.